The following is an entry in ClinVar:

NM_001830.4(CLCN4):c.485T>A (p.Leu162Gln)

Gene: CLCN4 (chloride voltage-gated channel 4; plus strand). Cytogenetic location: Xp22.2.
Variant type: single nucleotide variant.
Coding change: c.485T>A on transcript NM_001830.4 (MANE Select); coding-DNA position 485, T replaced by A.
Protein change: p.Leu162Gln; replaces leucine 162 with glutamine.
Molecular consequence: missense variant.
Genome position (GRCh38, 1-based): chrX:10,197,991, T>A. VCF-style: chrX-10197991-T-A. GRCh37 (hg19) VCF-style: chrX-10166031-T-A.
Other names: c.203T>A, p.Leu68Gln (NM_001256944.2); short protein forms L162Q, L68Q.
Identifiers: ClinVar variation 3390698 (VCV003390698.1).

ClinVar aggregate classification (germline): Uncertain significance (1 of 4 stars; one submission).

gnomAD v4.1: 3 of 1,210,870 alleles (0.00025%); highest among the groups gnomAD compares: Non-Finnish European, 0.00034%; no homozygotes.

Submission:

GeneDx
Classification: Uncertain significance. Last evaluated: 2024-06-10. Review status: criteria provided, single submitter. Criteria: GeneDx Variant Classification Process June 2021. Collection method: clinical testing. Allele origin: germline. Affected: yes.
Comment: Not observed at significant frequency in large population cohorts (gnomAD); In silico analysis supports that this missense variant has a deleterious effect on protein structure/function; Has not been previously published as pathogenic or benign to our knowledge